The following is an entry in ClinVar:

ClinVar aggregate classification (germline): Uncertain significance (1 of 4 stars; one submission).

Allele frequency attached by ClinVar (database versions not stated): gnomAD exomes below 0.00001.
gnomAD v4.1: 1 of 1,516,654 alleles (0.000066%); highest among the groups gnomAD compares: Non-Finnish European, 0.000089%; no homozygotes.

Submission:

Labcorp Genetics (formerly Invitae), Labcorp
Classification: Uncertain significance. Last evaluated: 2022-10-14. Review status: criteria provided, single submitter. Criteria: Invitae Variant Classification Sherloc (09022015). Collection method: clinical testing. Allele origin: germline.
Comment: This variant has not been reported in the literature in individuals affected with POLE2-related conditions. Algorithms developed to predict the effect of missense changes on protein structure and function are either unavailable or do not agree on the potential impact of this missense change (SIFT: "Tolerated"; PolyPhen-2: "Possibly Damaging"; Align-GVGD: "Class C0"). In summary, the available evidence is currently insufficient to determine the role of this variant in disease. Therefore, it has been classified as a Variant of Uncertain Significance. This variant is not present in population databases (gnomAD no frequency). This sequence change replaces serine, which is neutral and polar, with cysteine, which is neutral and slightly polar, at codon 447 of the POLE2 protein (p.Ser447Cys).

NM_002692.4(POLE2):c.1340C>G (p.Ser447Cys)

Gene: POLE2 (DNA polymerase epsilon 2, accessory subunit; minus strand). Cytogenetic location: 14q21.3.
Variant type: single nucleotide variant.
Coding change: c.1340C>G on transcript NM_002692.4 (MANE Select); coding-DNA position 1340, C replaced by G.
Protein change: p.Ser447Cys; replaces serine 447 with cysteine.
Molecular consequence: missense variant.
Genome position (GRCh38, 1-based): chr14:49,650,422, G>C on the plus strand (C>G on the coding strand, the complement: POLE2 is on the minus strand). VCF-style: chr14-49650422-G-C. GRCh37 (hg19) VCF-style: chr14-50117140-G-C.
Other names: c.1262C>G, p.Ser421Cys (NM_001197330.2); c.1340C>G, p.Ser447Cys (NM_001197331.3); c.1337C>G, p.Ser446Cys (NM_001348384.2); c.1109C>G, p.Ser370Cys (NM_001348385.2); short protein forms S370C, S447C, S421C, S446C.
Identifiers: ClinVar variation 1993704 (VCV001993704.4), dbSNP rs2502809559, ClinGen allele CA389636965.